The following is an entry in ClinVar:

NM_001267550.2(TTN):c.69553C>T (p.Arg23185Ter)

Genes: TTN-AS1 (TTN antisense RNA 1; plus strand), TTN (titin; minus strand). Cytogenetic location: 2q31.2.
Variant type: single nucleotide variant.
Coding change: c.69553C>T on transcript NM_001267550.2 (MANE Select); coding-DNA position 69553, C replaced by T.
Protein change: p.Arg23185Ter; replaces arginine 23185 with a stop codon.
Molecular consequence: nonsense.
Genome position (GRCh38, 1-based): chr2:178,576,691, G>A on the plus strand (C>T on the coding strand, the complement: TTN is on the minus strand). VCF-style: chr2-178576691-G-A. GRCh37 (hg19) VCF-style: chr2-179441418-G-A.
Other names: c.64630C>T, p.Arg21544Ter (NM_001256850.1); c.42358C>T, p.Arg14120Ter (NM_003319.4); c.61849C>T, p.Arg20617Ter (NM_133378.4); c.42733C>T, p.Arg14245Ter (NM_133432.3); c.42934C>T, p.Arg14312Ter (NM_133437.4); c.69553C>T (NM_001267550.1); short protein forms R23185*, R20617*, R14245*, R14120*, R14312*, R21544*.
Identifiers: ClinVar variation 238830 (VCV000238830.16), dbSNP rs878854328, ClinGen allele CA10581850.

ClinVar aggregate classification (germline): Pathogenic/Likely pathogenic. Review status: criteria provided, multiple submitters, no conflicts (2 of 4 stars). 5 submissions from 5 submitters: Pathogenic (1); Likely pathogenic (4). Last evaluated 2026-06-15.

Conditions:
Cardiovascular phenotype. Identifiers: MedGen CN230736.
TTN-related disorder. Also called: TTN-related disorders; TTN-related condition; TTN-related disease.
Dilated cardiomyopathy 1G (CMD1G). Identifiers: Orphanet 154, MedGen C1858763, MONDO:0011400, OMIM 604145.
Autosomal recessive limb-girdle muscular dystrophy type 2J (LGMDR10). Also called: Limb-girdle muscular dystrophy, type 2J; MUSCULAR DYSTROPHY, LIMB-GIRDLE, AUTOSOMAL RECESSIVE 10. Identifiers: Orphanet 140922, MedGen C1837342, MONDO:0012127, OMIM 608807.

gnomAD v4.1: 4 of 1,613,388 alleles (0.00025%); highest among the groups gnomAD compares: Middle Eastern, 0.017%; no homozygotes.

Submissions (5):

Ambry Genetics
Classification: Likely pathogenic for Cardiovascular phenotype. Last evaluated: 2026-06-15. Review status: criteria provided, single submitter. Criteria: Ambry Variant Classification Scheme 2023. Collection method: clinical testing. Allele origin: germline.
Comment: The p.R14120* variant (also known as c.42358C>T), located in coding exon 152 of the TTN gene, results from a C to T substitution at nucleotide position 42358. This changes the amino acid from an arginine to a stop codon within coding exon 152. This exon is located in the A-band region of the N2-B isoform of the titin protein and is constitutively expressed in TTN transcripts (percent spliced in or PSI 100%). This variant has been reported in a biobank cohort (Jurgens SJ et al. Nat Genet, 2022 Mar;54:240-250). This variant is considered to be rare based on population cohorts in the Genome Aggregation Database (gnomAD). This variant is expected to result in loss of function by premature protein truncation or nonsense-mediated mRNA decay. While truncating variants in TTN are present in 1-3% of the general population, truncating variants in the A-band are the most common cause of dilated cardiomyopathy (Herman DS et al. N. Engl. J. Med., 2012 Feb;366:619-28; Roberts AM et al. Sci Transl Med, 2015 Jan;7:270ra6). TTN truncating variants encoded in constitutive exons (PSI >90%) have been found to be significantly associated with DCM regardless of their position in titin (Schafer S et al. Nat. Genet., 2017 01;49:46-53; Akhtar MM et al. Circ Heart Fail, 2020 Oct;13:e006832; Massier M et al. Clin Genet, 2025 Jan). Based on the majority of available evidence to date, this variant is likely to be pathogenic.

Labcorp Genetics (formerly Invitae), Labcorp
Classification: Pathogenic for Dilated cardiomyopathy 1G; Autosomal recessive limb-girdle muscular dystrophy type 2J. Last evaluated: 2025-10-24. Review status: criteria provided, single submitter. Criteria: Invitae Variant Classification Sherloc (09022015). Collection method: clinical testing. Allele origin: germline.
Comment: This sequence change creates a premature translational stop signal (p.Arg23185*) in the TTN gene. While this is not anticipated to result in nonsense mediated decay, it is expected to create a truncated TTN protein. This variant is not present in population databases (gnomAD no frequency). This premature translational stop signal has been observed in individuals with dilated cardiomyopathy (internal data). ClinVar contains an entry for this variant (Variation ID: 238830). This variant is located in the A band of TTN (PMID: 25589632). Truncating variants in this region are significantly overrepresented in patients affected with dilated cardiomyopathy (PMID: 25589632). Truncating variants in this region have also been reported in individuals affected with autosomal recessive centronuclear myopathy (PMID: 23975875). For these reasons, this variant has been classified as Pathogenic.

GeneDx
Classification: Likely pathogenic. Last evaluated: 2025-06-24. Review status: criteria provided, single submitter. Criteria: GeneDx Variant Classification Process June 2021. Collection method: clinical testing. Allele origin: germline. Affected: yes.
Comment: Identified in patients with DCM in published literature (PMID: 36264615); Nonsense variant predicted to result in protein truncation or nonsense mediated decay in a gene for which loss of function is a known mechanism of disease; Not observed at significant frequency in large population cohorts (gnomAD); Located in the A-band, a region of TTN for which truncating variants are significantly associated with autosomal dominant cardiomyopathy and also with autosomal recessive skeletal myopathies (PMID: 22335739, 32778822); This variant is associated with the following publications: (PMID: 22335739, 32778822, 36264615, 35177841)

Blueprint Genetics
Classification: Likely pathogenic for TTN-related disorders. Last evaluated: 2018-04-23. Review status: criteria provided, single submitter. Criteria: ACMG Guidelines, 2015. Collection method: clinical testing. Allele origin: germline. Affected: yes. Observed: 1 variant allele.

Eurofins Ntd Llc (ga)
Classification: Likely pathogenic. Last evaluated: 2017-03-24. Review status: criteria provided, single submitter. Criteria: EGL Classification Definitions 2015. Collection method: clinical testing. Allele origin: germline. Observed: 2 variant alleles, 2 heterozygotes.

Literature cited by the submitters: PubMed 35177841 (cited by Ambry Genetics); PubMed 25589632 (cited by Labcorp Genetics (formerly Invitae), Labcorp); PubMed 23975875 (cited by Labcorp Genetics (formerly Invitae), Labcorp).